The following is an entry in ClinVar:

ClinVar aggregate classification (germline): Uncertain significance (1 of 4 stars; one submission).

Conditions:
Cardiovascular phenotype. Identifiers: MedGen CN230736.

Allele frequency attached by ClinVar (database versions not stated): gnomAD exomes below 0.00001.
gnomAD v4.1: 6 of 1,608,940 alleles (0.00037%); highest among the groups gnomAD compares: Non-Finnish European, 0.00051%; no homozygotes.

Submission:

Ambry Genetics
Classification: Uncertain significance for Cardiovascular phenotype. Last evaluated: 2023-06-22. Review status: criteria provided, single submitter. Criteria: Ambry Variant Classification Scheme 2023. Collection method: clinical testing. Allele origin: germline.
Comment: The p.R1099G variant (also known as c.3295A>G), located in coding exon 7 of the TNXB gene, results from an A to G substitution at nucleotide position 3295. The arginine at codon 1099 is replaced by glycine, an amino acid with dissimilar properties. This amino acid position is conserved. In addition, this alteration is predicted to be tolerated by in silico analysis. Since supporting evidence is limited at this time, the clinical significance of this alteration remains unclear.

NM_001365276.2(TNXB):c.3295A>G (p.Arg1099Gly)

Gene: TNXB (tenascin XB; minus strand). Cytogenetic location: 6p21.33.
Variant type: single nucleotide variant.
Coding change: c.3295A>G on transcript NM_001365276.2 (MANE Select); coding-DNA position 3295, A replaced by G.
Protein change: p.Arg1099Gly; replaces arginine 1099 with glycine.
Molecular consequence: missense variant.
Genome position (GRCh38, 1-based): chr6:32,084,563, T>C on the plus strand (A>G on the coding strand, the complement: TNXB is on the minus strand). VCF-style: chr6-32084563-T-C. GRCh37 (hg19) VCF-style: chr6-32052340-T-C.
Other names: c.3295A>G, p.Arg1099Gly (NM_019105.8); short protein forms R1099G.
Identifiers: ClinVar variation 2586110 (VCV002586110.2), dbSNP rs2483693167, ClinGen allele CA363442652.